The following is an entry in ClinVar:

NM_005546.4(ITK):c.911G>A (p.Arg304Gln)

Gene: ITK (IL2 inducible T cell kinase; plus strand). Cytogenetic location: 5q33.3.
Variant type: single nucleotide variant.
Coding change: c.911G>A on transcript NM_005546.4 (MANE Select); coding-DNA position 911, G replaced by A.
Protein change: p.Arg304Gln; replaces arginine 304 with glutamine.
Molecular consequence: missense variant.
Genome position (GRCh38, 1-based): chr5:157,240,121, G>A. VCF-style: chr5-157240121-G-A. GRCh37 (hg19) VCF-style: chr5-156667131-G-A.
Other names: short protein forms R304Q.
Identifiers: ClinVar variation 3628997 (VCV003628997.3).

ClinVar aggregate classification (germline): Uncertain significance. Review status: criteria provided, multiple submitters, no conflicts (2 of 4 stars). 3 submissions from 3 submitters: Uncertain significance (3). Last evaluated 2025-01-20.

Conditions:
Lymphoproliferative syndrome 1 (LPFS1). Identifiers: Orphanet 238505, Orphanet 538963, MedGen C3552634, MONDO:0013081, OMIM 613011.

gnomAD v4.1: 13 of 1,613,058 alleles (0.00081%); highest among the groups gnomAD compares: Admixed American, 0.0033%; no homozygotes.

Submissions (3):

Labcorp Genetics (formerly Invitae), Labcorp
Classification: Uncertain significance for Lymphoproliferative syndrome 1. Last evaluated: 2025-01-20. Review status: criteria provided, single submitter. Criteria: Invitae Variant Classification Sherloc (09022015). Collection method: clinical testing. Allele origin: germline.
Comment: This sequence change replaces arginine, which is basic and polar, with glutamine, which is neutral and polar, at codon 304 of the ITK protein (p.Arg304Gln). This variant is present in population databases (rs748842677, gnomAD 0.006%). This variant has not been reported in the literature in individuals affected with ITK-related conditions. Invitae Evidence Modeling of protein sequence and biophysical properties (such as structural, functional, and spatial information, amino acid conservation, physicochemical variation, residue mobility, and thermodynamic stability) indicates that this missense variant is not expected to disrupt ITK protein function with a negative predictive value of 95%. In summary, the available evidence is currently insufficient to determine the role of this variant in disease. Therefore, it has been classified as a Variant of Uncertain Significance.

GeneDx
Classification: Uncertain significance. Last evaluated: 2025-01-11. Review status: criteria provided, single submitter. Criteria: GeneDx Variant Classification Process June 2021. Collection method: clinical testing. Allele origin: germline. Affected: yes.
Comment: In silico analysis indicates that this missense variant does not alter protein structure/function; Has not been previously published as pathogenic or benign to our knowledge

Blueprint Genetics
Classification: Uncertain significance. Last evaluated: 2022-08-22. Review status: criteria provided, single submitter. Criteria: ACMG Guidelines, 2015. Collection method: clinical testing. Allele origin: germline.